The following is an entry in ClinVar:

ClinVar aggregate classification (germline): Conflicting classifications of pathogenicity. Review status: criteria provided, conflicting classifications (1 of 4 stars). 2 submissions from 2 submitters: Uncertain significance (1); Likely benign (1). Last evaluated 2021-08-10.

Conditions:
Inborn genetic diseases. Identifiers: MedGen C0950123, MeSH D030342.

Allele frequency attached by ClinVar (database versions not stated): ExAC 0.00001; gnomAD exomes 0.00001; TOPMed 0.00001.
gnomAD v4.1: 2 of 1,613,982 alleles (0.00012%); highest among the groups gnomAD compares: Admixed American, 0.0033%; no homozygotes.

Submissions (2):

Ambry Genetics
Classification: Uncertain significance for Inborn genetic diseases. Last evaluated: 2021-08-10. Review status: criteria provided, single submitter. Criteria: Ambry Variant Classification Scheme 2023. Collection method: clinical testing. Allele origin: germline.

Laboratory for Molecular Medicine, Mass General Brigham Personalized Medicine
Classification: Likely benign. Last evaluated: 2017-07-20. Review status: criteria provided, single submitter. Criteria: LMM Criteria. Collection method: clinical testing. Allele origin: germline. Observed: 1 variant allele.
Comment: p.Ile280Leu in exon 7 of GPR98: This variant is not expected to have clinical si gnificance because the isoleucine (Ile) at position 280 is not conserved through species, with >10 mammals having a leucine (Leu) at this position. This varian t has also been identified in 2/33580 Latino chromosomes by the Genome Aggregati on Database (gnomAD; dbSNP rs772896545).

NM_032119.4(ADGRV1):c.838A>T (p.Ile280Leu)

Gene: ADGRV1 (adhesion G protein-coupled receptor V1; plus strand). Cytogenetic location: 5q14.3.
Variant type: single nucleotide variant.
Coding change: c.838A>T on transcript NM_032119.4 (MANE Select); coding-DNA position 838, A replaced by T.
Protein change: p.Ile280Leu; replaces isoleucine 280 with leucine.
Molecular consequence: missense variant. On other transcripts: non-coding transcript variant (1).
Genome position (GRCh38, 1-based): chr5:90,627,376, A>T. VCF-style: chr5-90627376-A-T. GRCh37 (hg19) VCF-style: chr5-89923193-A-T.
Other names: short protein forms I280L.
Identifiers: ClinVar variation 517489 (VCV000517489.5), dbSNP rs772896545, ClinGen allele CA3338573.
Genomic context (GRCh38, chr5:90,627,376, plus strand): 5'-GATAGTCCCGTGAGATTCCTTCAGAGTATTTATTTGGTTCCTGAGGAAGACCACATACTC[A>T]TAATTCCAGTAGTTCGTGGAAAGGACAACAATGGAAATCTGATTGGATCTGATGAATATG-3'
Protein context (NP_115495.3, residues 270-290): YLVPEEDHIL[Ile280Leu]IPVVRGKDNN